The following is an entry in ClinVar:

ClinVar aggregate classification (germline): Conflicting classifications of pathogenicity. Review status: criteria provided, conflicting classifications (1 of 4 stars). 6 submissions from 6 submitters: Pathogenic (1); Likely pathogenic (2); Uncertain significance (3). Last evaluated 2025-11-19.

Conditions:
Primary ciliary dyskinesia. Also called: Ciliary dyskinesia. Identifiers: Orphanet 244, MedGen C0008780, MONDO:0016575, HP:0012265.
Primary ciliary dyskinesia 9. Also called: CILIARY DYSKINESIA, PRIMARY, 9, WITH OR WITHOUT SITUS INVERSUS. Identifiers: Orphanet 244, MedGen C2676235, MONDO:0012906, OMIM 612444.

Allele frequency attached by ClinVar (database versions not stated): gnomAD exomes 0.00001; ExAC 0.00002; TOPMed 0.00003.
gnomAD v4.1: 8 of 1,614,142 alleles (0.0005%); highest among the groups gnomAD compares: Admixed American, 0.005%; no homozygotes.

Submissions (6):

Myriad Genetics, Inc.
Classification: Uncertain significance for Primary ciliary dyskinesia 9. Last evaluated: 2025-11-19. Review status: criteria provided, single submitter. Criteria: Myriad Autosomal Dominant, Autosomal Recessive and X-Linked Classification Criteria (2023). Collection method: clinical testing. Allele origin: unknown.
Comment: NM_023036.4(DNAI2):c.1288G>A(G430R) is a missense variant classified as a variant of uncertain significance in the context of primary ciliary dyskinesia, DNAI2-related. G430R has not been observed in cases with relevant disease. Relevant functional assessments of this variant are not available in the literature. G430R has been observed in referenced population frequency databases. In summary, there is insufficient evidence to classify NM_023036.4(DNAI2):c.1288G>A(G430R) as pathogenic or benign. Please note: this variant was assessed in the context of healthy population screening.

Genomic Medicine Center of Excellence, King Faisal Specialist Hospital and Research Centre
Classification: Pathogenic for Primary ciliary dyskinesia 9. Last evaluated: 2025-09-10. Review status: criteria provided, single submitter. Criteria: ACMG Guidelines, 2015. Collection method: clinical testing. Allele origin: germline.

Women's Health and Genetics/Laboratory Corporation of America, LabCorp
Classification: Likely pathogenic for Primary ciliary dyskinesia 9. Last evaluated: 2025-06-10. Review status: criteria provided, single submitter. Criteria: LabCorp Variant Classification Summary - May 2015. Collection method: clinical testing. Allele origin: germline.
Comment: Variant summary: DNAI2 c.1288G>A (p.Gly430Arg) results in a non-conservative amino acid change in the encoded protein sequence. Algorithms developed to predict the effect of missense changes on protein structure and function all suggest that this variant is likely to be disruptive. The variant allele was found at a frequency of 1.6e-05 in 251360 control chromosomes. c.1288G>A has been observed in the homozygous state in a set of twins affected with Primary ciliary dyskinesia 9 (internal data). These data indicate that the variant is likely to be associated with disease. To our knowledge, no experimental evidence demonstrating an impact on protein function has been reported. ClinVar contains an entry for this variant (Variation ID: 2147246). Based on the evidence outlined above, the variant was classified as likely pathogenic.

Mayo Clinic Laboratories, Mayo Clinic
Classification: Uncertain significance. Last evaluated: 2025-05-19. Review status: criteria provided, single submitter. Criteria: ACMG Guidelines, 2015. Collection method: clinical testing. Allele origin: germline. Observed: 1 variant allele.
Comment: PP3_moderate

Ambry Genetics
Classification: Uncertain significance for Primary ciliary dyskinesia. Last evaluated: 2024-06-07. Review status: criteria provided, single submitter. Criteria: Ambry Variant Classification Scheme 2023. Collection method: clinical testing. Allele origin: germline.
Comment: The p.G430R variant (also known as c.1288G>A), located in coding exon 9 of the DNAI2 gene, results from a G to A substitution at nucleotide position 1288. The glycine at codon 430 is replaced by arginine, an amino acid with dissimilar properties. This amino acid position is conserved. In addition, this alteration is predicted to be deleterious by in silico analysis. Based on the available evidence, the clinical significance of this variant remains unclear.

Labcorp Genetics (formerly Invitae), Labcorp
Classification: Likely pathogenic for Primary ciliary dyskinesia. Last evaluated: 2023-11-14. Review status: criteria provided, single submitter. Criteria: Invitae Variant Classification Sherloc (09022015). Collection method: clinical testing. Allele origin: germline.
Comment: This sequence change replaces glycine, which is neutral and non-polar, with arginine, which is basic and polar, at codon 430 of the DNAI2 protein (p.Gly430Arg). This variant is present in population databases (rs765285682, gnomAD 0.006%). This missense change has been observed in individual(s) with clinical features of primary ciliary dyskinesia (Invitae). ClinVar contains an entry for this variant (Variation ID: 2147246). Advanced modeling of protein sequence and biophysical properties (such as structural, functional, and spatial information, amino acid conservation, physicochemical variation, residue mobility, and thermodynamic stability) performed at Invitae indicates that this missense variant is expected to disrupt DNAI2 protein function with a positive predictive value of 80%. In summary, the currently available evidence indicates that the variant is pathogenic, but additional data are needed to prove that conclusively. Therefore, this variant has been classified as Likely Pathogenic.

NM_023036.6(DNAI2):c.1288G>A (p.Gly430Arg)

Gene: DNAI2 (dynein axonemal intermediate chain 2; plus strand). Cytogenetic location: 17q25.1.
Variant type: single nucleotide variant.
Coding change: c.1288G>A on transcript NM_023036.6 (MANE Select); coding-DNA position 1288, G replaced by A.
Protein change: p.Gly430Arg; replaces glycine 430 with arginine.
Molecular consequence: missense variant. On other transcripts: non-coding transcript variant (1).
Genome position (GRCh38, 1-based): chr17:74,309,329, G>A. VCF-style: chr17-74309329-G-A. GRCh37 (hg19) VCF-style: chr17-72305468-G-A.
Other names: p.Gly430Arg; c.1288G>A, p.Gly430Arg (NM_001172810.3, NM_001353167.2); c.1288G>A (NM_023036.4); short protein forms G430R.
Identifiers: ClinVar variation 2147246 (VCV002147246.9), dbSNP rs765285682, ClinGen allele CA8745684.